The following is an entry in ClinVar:

ClinVar aggregate classification (germline): Uncertain significance. Review status: criteria provided, multiple submitters, no conflicts (2 of 4 stars). 2 submissions from 2 submitters: Uncertain significance (2). Last evaluated 2022-08-02.

Conditions:
Aicardi-Goutieres syndrome 4. Identifiers: Orphanet 51, MedGen C1835912, MONDO:0012472, OMIM 610333.

Allele frequency attached by ClinVar (database versions not stated): TOPMed below 0.00001; gnomAD 0.00001; ExAC 0.00004.
gnomAD v4.1: 11 of 1,574,818 alleles (0.0007%); highest among the groups gnomAD compares: Non-Finnish European, 0.0006%; 1 homozygote.

Submissions (2):

Labcorp Genetics (formerly Invitae), Labcorp
Classification: Uncertain significance for Aicardi-Goutieres syndrome 4. Last evaluated: 2022-08-02. Review status: criteria provided, single submitter. Criteria: Invitae Variant Classification Sherloc (09022015). Collection method: clinical testing. Allele origin: germline.
Comment: This sequence change replaces leucine, which is neutral and non-polar, with proline, which is neutral and non-polar, at codon 3 of the RNASEH2A protein (p.Leu3Pro). This variant is present in population databases (rs764685443, gnomAD 0.003%). This missense change has been observed in individual(s) with Aicardi-Goutieres syndrome (PMID: 20131292). Algorithms developed to predict the effect of missense changes on protein structure and function are either unavailable or do not agree on the potential impact of this missense change (SIFT: "Tolerated"; PolyPhen-2: "Possibly Damaging"; Align-GVGD: "Class C0"). In summary, the available evidence is currently insufficient to determine the role of this variant in disease. Therefore, it has been classified as a Variant of Uncertain Significance.

Blueprint Genetics
Classification: Uncertain significance. Last evaluated: 2020-12-30. Review status: criteria provided, single submitter. Criteria: ACMG Guidelines, 2015. Collection method: clinical testing. Allele origin: germline.

Literature cited by the submitters: PubMed 20131292 (cited by Labcorp Genetics (formerly Invitae), Labcorp).

NM_006397.3(RNASEH2A):c.8T>C (p.Leu3Pro)

Genes: RNASEH2A (ribonuclease H2 subunit A; plus strand), LOC117038795 (CRISPRi-FlowFISH-validated PRDX2 regulatory element 4; plus strand). Cytogenetic location: 19p13.13.
Variant type: single nucleotide variant.
Coding change: c.8T>C on transcript NM_006397.3 (MANE Select); coding-DNA position 8, T replaced by C.
Protein change: p.Leu3Pro; replaces leucine 3 with proline.
Molecular consequence: missense variant.
Genome position (GRCh38, 1-based): chr19:12,806,681, T>C. VCF-style: chr19-12806681-T-C. GRCh37 (hg19) VCF-style: chr19-12917495-T-C.
Other names: short protein forms L3P.
Identifiers: ClinVar variation 2170240 (VCV002170240.2), dbSNP rs764685443, ClinGen allele CA9231707.